The following is an entry in ClinVar:

ClinVar aggregate classification (germline): Uncertain significance (1 of 4 stars; one submission).

Conditions:
NCOA1-related disorder. Also called: NCOA1-related condition.

gnomAD v4.1: 23 of 1,614,182 alleles (0.0014%); highest among the groups gnomAD compares: Non-Finnish European, 0.0019%; no homozygotes.

Submission:

PreventionGenetics, part of Exact Sciences
Classification: Uncertain significance for NCOA1-related condition. Last evaluated: 2026-06-02. Review status: criteria provided, single submitter. Criteria: ACMG Guidelines, 2015. Collection method: clinical testing. Allele origin: germline.
Comment: The NCOA1 c.764C>G variant is predicted to result in the amino acid substitution p.Ala255Gly. To our knowledge, this variant has not been reported in the literature. This variant is reported in 0.0018% of alleles in individuals of European (Non-Finnish) descent in gnomAD. At this time, the clinical significance of this variant is uncertain due to the absence of conclusive functional and genetic evidence.

NM_003743.5(NCOA1):c.764C>G (p.Ala255Gly)

Gene: NCOA1 (nuclear receptor coactivator 1; plus strand). Cytogenetic location: 2p23.3.
Variant type: single nucleotide variant.
Coding change: c.764C>G on transcript NM_003743.5 (MANE Select); coding-DNA position 764, C replaced by G.
Protein change: p.Ala255Gly; replaces alanine 255 with glycine.
Molecular consequence: missense variant.
Genome position (GRCh38, 1-based): chr2:24,693,303, C>G. VCF-style: chr2-24693303-C-G. GRCh37 (hg19) VCF-style: chr2-24916172-C-G.
Other names: c.764C>G, p.Ala255Gly (NM_001362950.1, NM_001362952.1, NM_001362954.1 and 3 more transcripts); short protein forms A255G.
Identifiers: ClinVar variation 4978689 (VCV004978689.1).
Genomic context (GRCh38, chr2:24,693,303, plus strand): 5'-TTTGGGCAGATTTCCAGTCATGTCTGATTTGTATTGCACGGCGATTACCTCGGCCTCCAG[C>G]TATTACGGGTGTAGAATCCTTTATGACCAAGCAAGATACTACAGGTACTAATTGTAAAGT-3'
Protein context (NP_003734.3, residues 245-265): CIARRLPRPP[Ala255Gly]ITGVESFMTK